The following is an entry in ClinVar:

NM_004415.4(DSP):c.3581A>C (p.Lys1194Thr)

Gene: DSP (desmoplakin; plus strand). Cytogenetic location: 6p24.3.
Variant type: single nucleotide variant.
Coding change: c.3581A>C on transcript NM_004415.4 (MANE Select); coding-DNA position 3581, A replaced by C.
Protein change: p.Lys1194Thr; replaces lysine 1194 with threonine.
Molecular consequence: missense variant.
Genome position (GRCh38, 1-based): chr6:7,579,771, A>C. VCF-style: chr6-7579771-A-C. GRCh37 (hg19) VCF-style: chr6-7580004-A-C.
Other names: c.3581A>C, p.Lys1194Thr (NM_001008844.3, NM_001319034.2); short protein forms K1194T.
Identifiers: ClinVar variation 4015111 (VCV004015111.1).

ClinVar aggregate classification (germline): Uncertain significance (1 of 4 stars; one submission).

Conditions:
Cardiovascular phenotype. Identifiers: MedGen CN230736.

gnomAD v4.1: 1 of 1,613,970 alleles (0.000062%); highest among the groups gnomAD compares: Non-Finnish European, 0.000085%; no homozygotes.

Submission:

Ambry Genetics
Classification: Uncertain significance for Cardiovascular phenotype. Last evaluated: 2025-05-26. Review status: criteria provided, single submitter. Criteria: Ambry Variant Classification Scheme 2023. Collection method: clinical testing. Allele origin: germline.
Comment: The p.K1194T variant (also known as c.3581A>C), located in coding exon 23 of the DSP gene, results from an A to C substitution at nucleotide position 3581. The lysine at codon 1194 is replaced by threonine, an amino acid with similar properties. This amino acid position is conserved. In addition, the in silico prediction for this alteration is inconclusive. Based on the available evidence, the clinical significance of this variant remains unclear.